The following is an entry in ClinVar:

ClinVar aggregate classification (germline): Uncertain significance (1 of 4 stars; one submission).

Allele frequency attached by ClinVar (database versions not stated): gnomAD exomes below 0.00001; TOPMed below 0.00001; gnomAD 0.00001.
gnomAD v4.1: 2 of 1,613,982 alleles (0.00012%); highest among the groups gnomAD compares: East Asian, 0.0022%; no homozygotes.

Submission:

GeneDx
Classification: Uncertain significance. Last evaluated: 2024-04-26. Review status: criteria provided, single submitter. Criteria: GeneDx Variant Classification Process June 2021. Collection method: clinical testing. Allele origin: germline. Affected: yes.
Comment: In silico analysis supports that this missense variant has a deleterious effect on protein structure/function; Has not been previously published as pathogenic or benign to our knowledge; This variant is associated with the following publications: (PMID: 25512093, 25609763, 26100331)

NM_001376.5(DYNC1H1):c.11228G>A (p.Arg3743His)

Gene: DYNC1H1 (dynein cytoplasmic 1 heavy chain 1; plus strand). Cytogenetic location: 14q32.31.
Variant type: single nucleotide variant.
Coding change: c.11228G>A on transcript NM_001376.5 (MANE Select); coding-DNA position 11228, G replaced by A.
Protein change: p.Arg3743His; replaces arginine 3743 with histidine.
Molecular consequence: missense variant.
Genome position (GRCh38, 1-based): chr14:102,039,022, G>A. VCF-style: chr14-102039022-G-A. GRCh37 (hg19) VCF-style: chr14-102505359-G-A.
Other names: short protein forms R3743H.
Identifiers: ClinVar variation 3252182 (VCV003252182.1), dbSNP rs1360902238.